The following is an entry in ClinVar:

ClinVar aggregate classification (germline): Likely benign. Review status: criteria provided, multiple submitters, no conflicts (2 of 4 stars). 3 submissions from 3 submitters: Likely benign (3). Last evaluated 2022-08-13.

Conditions:
Cardiovascular phenotype. Identifiers: MedGen CN230736.
Dilated cardiomyopathy 1JJ (CMD1JJ). Identifiers: Orphanet 154, MedGen C3808935, MONDO:0014095, OMIM 615235.

Submissions (3):

Labcorp Genetics (formerly Invitae), Labcorp
Classification: Likely benign for Dilated cardiomyopathy 1JJ. Last evaluated: 2022-08-13. Review status: criteria provided, single submitter. Criteria: Invitae Variant Classification Sherloc (09022015). Collection method: clinical testing. Allele origin: germline.

Ambry Genetics
Classification: Likely benign for Cardiovascular phenotype. Last evaluated: 2021-12-15. Review status: criteria provided, single submitter. Criteria: Ambry Variant Classification Scheme 2023. Collection method: clinical testing. Allele origin: germline.

Laboratory for Molecular Medicine, Mass General Brigham Personalized Medicine
Classification: Likely benign. Last evaluated: 2012-05-15. Review status: criteria provided, single submitter. Criteria: LMM Criteria. Collection method: clinical testing. Allele origin: germline. Observed: 1 variant allele.
Comment: Ser1455Ser in exon 32 of LAMA4: This variant is not expected to have clinical si gnificance because it does not alter an amino acid residue and is not located wi thin the splice consensus sequence. Ser1455Ser in exon 32 of LAMA4 (allele freq uency = n/a)

NM_001105206.3(LAMA4):c.4386C>T (p.Ser1462=)

Gene: LAMA4 (laminin subunit alpha 4; minus strand). Cytogenetic location: 6q21.
Variant type: single nucleotide variant.
Coding change: c.4386C>T on transcript NM_001105206.3 (MANE Select); coding-DNA position 4386, C replaced by T.
Protein change: p.Ser1462=; no amino-acid change (serine 1462 retained).
Molecular consequence: synonymous variant.
Genome position (GRCh38, 1-based): chr6:112,122,103, G>A on the plus strand (C>T on the coding strand, the complement: LAMA4 is on the minus strand). VCF-style: chr6-112122103-G-A. GRCh37 (hg19) VCF-style: chr6-112443306-G-A.
Other names: c.4365C>T, p.Ser1455= (NM_001105207.3, NM_002290.5).
Identifiers: ClinVar variation 44388 (VCV000044388.10), dbSNP rs397516729, ClinGen allele CA134042.